The following is an entry in ClinVar:

NM_006361.6(HOXB13):c.350G>T (p.Gly117Val)

Gene: HOXB13 (homeobox B13; minus strand). Cytogenetic location: 17q21.32.
Variant type: single nucleotide variant.
Coding change: c.350G>T on transcript NM_006361.6 (MANE Select); coding-DNA position 350, G replaced by T.
Protein change: p.Gly117Val; replaces glycine 117 with valine.
Molecular consequence: missense variant.
Genome position (GRCh38, 1-based): chr17:48,728,244, C>A on the plus strand (G>T on the coding strand, the complement: HOXB13 is on the minus strand). VCF-style: chr17-48728244-C-A. GRCh37 (hg19) VCF-style: chr17-46805606-C-A.
Other names: short protein forms G117V.
Identifiers: ClinVar variation 823869 (VCV000823869.8), dbSNP rs760111060, ClinGen allele CA400107645.

ClinVar aggregate classification (germline): Uncertain significance. Review status: criteria provided, multiple submitters, no conflicts (2 of 4 stars). 2 submissions from 2 submitters: Uncertain significance (2). Last evaluated 2025-10-02.

Conditions:
Hereditary cancer-predisposing syndrome. Also called: Neoplastic Syndromes, Hereditary; Tumor predisposition; Hereditary neoplastic syndrome; Hereditary Cancer Syndrome. Identifiers: Orphanet 140162, MedGen C0027672, MeSH D009386, MONDO:0015356.

Submissions (2):

Labcorp Genetics (formerly Invitae), Labcorp
Classification: Uncertain significance. Last evaluated: 2025-10-02. Review status: criteria provided, single submitter. Criteria: Invitae Variant Classification Sherloc (09022015). Collection method: clinical testing. Allele origin: germline.
Comment: This sequence change replaces glycine, which is neutral and non-polar, with valine, which is neutral and non-polar, at codon 117 of the HOXB13 protein (p.Gly117Val). This variant is not present in population databases (gnomAD no frequency). This variant has not been reported in the literature in individuals affected with HOXB13-related conditions. ClinVar contains an entry for this variant (Variation ID: 823869). Invitae Evidence Modeling of protein sequence and biophysical properties (such as structural, functional, and spatial information, amino acid conservation, physicochemical variation, residue mobility, and thermodynamic stability) indicates that this missense variant is not expected to disrupt HOXB13 protein function with a negative predictive value of 80%. In summary, the available evidence is currently insufficient to determine the role of this variant in disease. Therefore, it has been classified as a Variant of Uncertain Significance.

Ambry Genetics
Classification: Uncertain significance for Hereditary cancer-predisposing syndrome. Last evaluated: 2024-11-15. Review status: criteria provided, single submitter. Criteria: Ambry Variant Classification Scheme 2023. Collection method: clinical testing. Allele origin: germline.
Comment: The p.G117V variant (also known as c.350G>T), located in coding exon 1 of the HOXB13 gene, results from a G to T substitution at nucleotide position 350. The glycine at codon 117 is replaced by valine, an amino acid with dissimilar properties. This amino acid position is well conserved in available vertebrate species. In addition, this alteration is predicted to be tolerated by in silico analysis. Since supporting evidence is limited at this time, the clinical significance of this alteration remains unclear.